The following is an entry in ClinVar:

ClinVar aggregate classification (germline): Pathogenic (1 of 4 stars; one submission).

gnomAD v4.1: 2 of 1,551,432 alleles (0.00013%); highest among the groups gnomAD compares: Non-Finnish European, 0.000087%; no homozygotes.

Submission:

Labcorp Genetics (formerly Invitae), Labcorp
Classification: Pathogenic. Last evaluated: 2020-03-28. Review status: criteria provided, single submitter. Criteria: Invitae Variant Classification Sherloc (09022015). Collection method: clinical testing. Allele origin: germline.
Comment: This sequence change creates a premature translational stop signal (p.Glu2257*) in the EYS gene. It is expected to result in an absent or disrupted protein product. This variant has not been reported in the literature in individuals with EYS-related conditions. Loss-of-function variants in EYS are known to be pathogenic (PMID: 18836446, 20333770). For these reasons, this variant has been classified as Pathogenic. This variant is not present in population databases (ExAC no frequency).

Literature cited by the submitters: PubMed 18836446; PubMed 20333770.

NM_001142800.2(EYS):c.6769G>T (p.Glu2257Ter)

Gene: EYS (EGF-like photoreceptor maintenance factor; minus strand). Cytogenetic location: 6q12.
Variant type: single nucleotide variant.
Coding change: c.6769G>T on transcript NM_001142800.2 (MANE Select); coding-DNA position 6769, G replaced by T.
Protein change: p.Glu2257Ter; replaces glutamic acid 2257 with a stop codon.
Molecular consequence: nonsense.
Genome position (GRCh38, 1-based): chr6:63,999,140, C>A on the plus strand (G>T on the coding strand, the complement: EYS is on the minus strand). VCF-style: chr6-63999140-C-A. GRCh37 (hg19) VCF-style: chr6-64709033-C-A.
Other names: c.6769G>T, p.Glu2257Ter (NM_001292009.2); short protein forms E2257*.
Identifiers: ClinVar variation 1075314 (VCV001075314.7), dbSNP rs2149802318, ClinGen allele CA364389723.